The following is an entry in ClinVar:

NM_000702.4(ATP1A2):c.1092G>A (p.Thr364=)

Gene: ATP1A2 (ATPase Na+/K+ transporting subunit alpha 2; plus strand). Cytogenetic location: 1q23.2.
Variant type: single nucleotide variant.
Coding change: c.1092G>A on transcript NM_000702.4 (MANE Select); coding-DNA position 1092, G replaced by A.
Protein change: p.Thr364=; no amino-acid change (threonine 364 retained).
Molecular consequence: synonymous variant.
Genome position (GRCh38, 1-based): chr1:160,128,726, G>A. VCF-style: chr1-160128726-G-A. GRCh37 (hg19) VCF-style: chr1-160098516-G-A.
Other names: p.T364T:ACG>ACA.
Identifiers: ClinVar variation 204869 (VCV000204869.20), dbSNP rs55741021, ClinGen allele CA313242.
Genomic context (GRCh38, chr1:160,128,726, plus strand): 5'-GACAGCCAAGCGCATGGCACGGAAGAACTGCCTGGTGAAGAACCTGGAGGCGGTGGAGAC[G>A]CTGGGCTCCACGTCCACCATCTGCTCGGACAAGACGGGCACCCTCACCCAGAACCGCATG-3'
Protein context (NP_000693.1, residues 354-374): CLVKNLEAVE[Thr364=]LGSTSTICSD

ClinVar aggregate classification (germline): Conflicting classifications of pathogenicity. Review status: criteria provided, conflicting classifications (1 of 4 stars). 6 submissions from 5 submitters: Uncertain significance (2); Benign (1); Likely benign (3). Last evaluated 2026-02-03.

Conditions:
Familial hemiplegic migraine. Identifiers: MedGen C0338484, MONDO:0000700.
Migraine, familial hemiplegic, 2. Identifiers: Orphanet 569, MedGen C1865322, MONDO:0011232, OMIM 602481.
Alternating hemiplegia of childhood 1 (AHC1). Identifiers: Orphanet 2131, MedGen C3549447, MONDO:0007087, OMIM 104290.

Allele frequency attached by ClinVar (database versions not stated): ESP Exome Variant Server 0.00008; TOPMed 0.00009; gnomAD exomes 0.00015.
gnomAD v4.1: 143 of 1,614,032 alleles (0.0089%); highest among the groups gnomAD compares: Non-Finnish European, 0.0049%; no homozygotes.

Submissions (6):

Labcorp Genetics (formerly Invitae), Labcorp
Classification: Likely benign for Familial hemiplegic migraine. Last evaluated: 2026-02-03. Review status: criteria provided, single submitter. Criteria: Invitae Variant Classification Sherloc (09022015). Collection method: clinical testing. Allele origin: germline.

Blueprint Genetics
Classification: Likely benign. Last evaluated: 2024-11-23. Review status: criteria provided, single submitter. Criteria: ACMG Guidelines, 2015. Collection method: clinical testing. Allele origin: germline.

Illumina Laboratory Services, Illumina
Classification: Likely benign for Alternating hemiplegia of childhood 1. Last evaluated: 2018-01-13. Review status: criteria provided, single submitter. Criteria: ICSL Variant Classification Criteria 13 December 2019. Collection method: clinical testing. Allele origin: germline.
Comment: This variant was observed in the ICSL laboratory as part of a predisposition screen in an ostensibly healthy population. It had not been previously curated by ICSL or reported in the Human Gene Mutation Database (HGMD: prior to June 1st, 2018), and was therefore a candidate for classification through an automated scoring system. Utilizing variant allele frequency, disease prevalence and penetrance estimates, and inheritance mode, an automated score was calculated to assess if this variant is too frequent to cause the disease. Based on the score and internal cut-off values, a variant classified as likely benign is not then subjected to further curation. The score for this variant resulted in a classification of likely benign for this disease.

Illumina Laboratory Services, Illumina
Classification: Uncertain significance for Migraine, familial hemiplegic, 2. Last evaluated: 2018-01-13. Review status: criteria provided, single submitter. Criteria: ICSL Variant Classification Criteria 13 December 2019. Collection method: clinical testing. Allele origin: germline.

Eurofins Ntd Llc (ga)
Classification: Uncertain significance. Last evaluated: 2015-07-07. Review status: criteria provided, single submitter. Criteria: EGL Classification Definitions 2015. Collection method: clinical testing. Allele origin: germline. Observed: 1 variant allele, 1 heterozygote.

GeneDx
Classification: Benign. Last evaluated: 2014-07-28. Review status: criteria provided, single submitter. Criteria: GeneDx Variant Classification (06012015). Collection method: clinical testing. Allele origin: germline. Affected: yes.
Comment: This variant is considered likely benign or benign based on one or more of the following criteria: it is a conservative change, it occurs at a poorly conserved position in the protein, it is predicted to be benign by multiple in silico algorithms, and/or has population frequency not consistent with disease.